The following is an entry in ClinVar:

NM_003590.5(CUL3):c.859dup (p.Met287fs)

Gene: CUL3 (cullin 3; minus strand). Cytogenetic location: 2q36.2.
Variant type: Duplication.
Coding change: c.859dup on transcript NM_003590.5 (MANE Select); coding-DNA position 859, one base duplicated (A; older notation c.859dupA).
Protein change: p.Met287fs; shifts the reading frame from methionine 287.
Molecular consequence: frameshift variant.
Genome position (GRCh38, 1-based): chr2:224,511,378, T duplicated on the plus strand (A on the coding strand, the reverse complement: CUL3 is on the minus strand). VCF-style (leftmost placement, unchanged base first): chr2-224511377-A-AT. GRCh37 (hg19) VCF-style: chr2-225376094-A-AT.
Other names: c.661dup, p.Met221fs (NM_001257197.2); c.877dup, p.Met293fs (NM_001257198.2); short protein forms M221fs, M287fs, M293fs.
Identifiers: ClinVar variation 4526709 (VCV004526709.1).

ClinVar aggregate classification (germline): Likely pathogenic (1 of 4 stars; one submission).

Conditions:
Neurodevelopmental disorder with or without autism or seizures (NEDAUS). Identifiers: MedGen C5543225, MONDO:0030994, OMIM 619239.

Submission:

Hadassah Hebrew University Medical Center
Classification: Likely pathogenic for Neurodevelopmental disorder with or without autism or seizures. Last evaluated: 2025-10-01. Review status: criteria provided, single submitter. Criteria: ACMG Guidelines, 2015. Collection method: clinical testing. Allele origin: unknown. Affected: yes.
Comment: This variant is absent from the global population databases (PM2_Moderate); Null variant in a gene where Loss-of-function is a known mechanism of disease (PVS1_Very strong)